The following is an entry in ClinVar:

ClinVar aggregate classification (germline): Uncertain significance. Review status: criteria provided, multiple submitters, no conflicts (2 of 4 stars). 4 submissions from 4 submitters: Uncertain significance (4). Last evaluated 2025-06-02.

Conditions:
Hereditary cancer-predisposing syndrome. Also called: Hereditary neoplastic syndrome; Neoplastic Syndromes, Hereditary; Tumor predisposition; Hereditary Cancer Syndrome. Identifiers: Orphanet 140162, MedGen C0027672, MeSH D009386, MONDO:0015356.
Fanconi anemia complementation group J. Also called: BRIP1-Related Fanconi Anemia. Identifiers: Orphanet 84, MedGen C1836860, MONDO:0012187, OMIM 609054.
Familial cancer of breast. Also called: BREAST CANCER, FAMILIAL; Hereditary breast cancer; hereditary breast carcinoma. Identifiers: Orphanet 227535, MedGen C0346153, MONDO:0016419, OMIM 114480. Disease mechanism: loss of function.

Allele frequency attached by ClinVar (database versions not stated): TOPMed below 0.00001; gnomAD exomes 0.00001.

Submissions (4):

Labcorp Genetics (formerly Invitae), Labcorp
Classification: Uncertain significance for Familial cancer of breast; Fanconi anemia complementation group J. Last evaluated: 2025-06-02. Review status: criteria provided, single submitter. Criteria: Invitae Variant Classification Sherloc (09022015). Collection method: clinical testing. Allele origin: germline.
Comment: This sequence change replaces glutamic acid, which is acidic and polar, with lysine, which is basic and polar, at codon 938 of the BRIP1 protein (p.Glu938Lys). This variant is not present in population databases (gnomAD no frequency). This variant has not been reported in the literature in individuals affected with BRIP1-related conditions. ClinVar contains an entry for this variant (Variation ID: 483171). Invitae Evidence Modeling of protein sequence and biophysical properties (such as structural, functional, and spatial information, amino acid conservation, physicochemical variation, residue mobility, and thermodynamic stability) indicates that this missense variant is not expected to disrupt BRIP1 protein function with a negative predictive value of 95%. In summary, the available evidence is currently insufficient to determine the role of this variant in disease. Therefore, it has been classified as a Variant of Uncertain Significance.

Ambry Genetics
Classification: Uncertain significance for Hereditary cancer-predisposing syndrome. Last evaluated: 2022-03-16. Review status: criteria provided, single submitter. Criteria: Ambry Variant Classification Scheme 2023. Collection method: clinical testing. Allele origin: germline.

Sema4
Classification: Uncertain significance for Hereditary cancer-predisposing syndrome. Last evaluated: 2021-06-22. Review status: criteria provided, single submitter. Criteria: Sema4 Curation Guidelines. Collection method: curation. Allele origin: germline.
Comment: The BRIP1 c.2812G>A (p.E938K) variant has been reported in heterozygosity in at least one individual with breast cancer (PMID: 33471991). It was not observed in the large and broad cohorts of the Genome Aggregation Database (PMID: 32461654). The variant has been reported in ClinVar (Variation ID: 483171). In silico tools suggest the impact of the variant on protein function is inconclusive, though these predictions have not been confirmed by functional studies. The evidence is insufficient to meet ACMG/AMP criteria for classifying the variant as benign or pathogenic. Thus, the clinical significance of this variant is currently uncertain.

Color Diagnostics, LLC DBA Color Health
Classification: Uncertain significance for Hereditary cancer-predisposing syndrome. Last evaluated: 2019-05-22. Review status: criteria provided, single submitter. Criteria: ACMG Guidelines, 2015. Collection method: clinical testing. Allele origin: germline.

Literature cited by the submitters: PubMed 33471991 (cited by Sema4).

NM_032043.3(BRIP1):c.2812G>A (p.Glu938Lys)

Gene: BRIP1 (BRCA1 interacting DNA helicase 1; minus strand). Cytogenetic location: 17q23.2.
Variant type: single nucleotide variant.
Coding change: c.2812G>A on transcript NM_032043.3 (MANE Select); coding-DNA position 2812, G replaced by A.
Protein change: p.Glu938Lys; replaces glutamic acid 938 with lysine.
Molecular consequence: missense variant.
Genome position (GRCh38, 1-based): chr17:61,685,929, C>T on the plus strand (G>A on the coding strand, the complement: BRIP1 is on the minus strand). VCF-style: chr17-61685929-C-T. GRCh37 (hg19) VCF-style: chr17-59763290-C-T.
Other names: short protein forms E938K.
Identifiers: ClinVar variation 483171 (VCV000483171.18), dbSNP rs199643061, ClinGen allele CA292268072.
Genomic context (GRCh38, chr17:61,685,929, plus strand): 5'-GAGGTGAATTTTTGGTAATAATTTTAGGACACTGTAGTTCCTGGACACATATCTTTGCTT[C>T]ATCTTCCACAAAATTTTCTGGTGATAGATGACTTGCTGCTTCCAGTAAATAAGGTGAGGT-3'
Protein context (NP_114432.2, residues 928-948): HLSPENFVED[Glu938Lys]AKICVQELQC